The following continues an entry in ClinVar:

NM_001379500.1(COL18A1):c.3523_3524del (p.Leu1175fs)

ClinVar aggregate classification (germline): Pathogenic. Pathogenic (18).

Submissions 16 to 24 of 24:

Institute of Medical Genetics and Applied Genomics, University Hospital Tübingen
Classification: Pathogenic. Last evaluated: 2020-10-23. Review status: criteria provided, single submitter. Criteria: ACMG Guidelines, 2015. Collection method: clinical testing. Allele origin: germline. Inheritance: Autosomal recessive inheritance. Affected: yes.

Genetic Services Laboratory, University of Chicago
Classification: Pathogenic. Last evaluated: 2018-04-18. Review status: criteria provided, single submitter. Criteria: ACMG Guidelines, 2015. Collection method: clinical testing. Allele origin: germline. Affected: yes.

Centre for Mendelian Genomics, University Medical Centre Ljubljana
Classification: Pathogenic for Hereditary glaucoma, primary closed-angle. Last evaluated: 2016-01-01. Review status: criteria provided, single submitter. Criteria: ACMG Guidelines, 2015. Collection method: clinical testing. Allele origin: unknown. Affected: yes.
Comment: This variant was classified as: Pathogenic.

Molecular Genetics Laboratory, Institute for Ophthalmic Research
Classification: Pathogenic for Knobloch syndrome. Last evaluated: 2017-12-13. Review status: no assertion criteria provided. Collection method: research. Allele origin: inherited. Affected: yes. Not counted in ClinVar's aggregate classification.

NIHR Bioresource Rare Diseases, University of Cambridge
Classification: Likely pathogenic for Macular dystrophy. Last evaluated: 2015-01-01. Review status: no assertion criteria provided. Collection method: research. Allele origin: unknown. Affected: yes. Observed: 1 variant allele. Not counted in ClinVar's aggregate classification.

NIHR Bioresource Rare Diseases, University of Cambridge
Classification: Likely pathogenic for Retinitis pigmentosa. Last evaluated: 2015-01-01. Review status: no assertion criteria provided. Collection method: research. Allele origin: unknown. Affected: yes. Observed: 1 variant allele. Not counted in ClinVar's aggregate classification.

OMIM
Classification: Pathogenic for KNOBLOCH SYNDROME 1. Last evaluated: 2010-11-01. Review status: no assertion criteria provided. Collection method: literature only. Allele origin: germline. Not counted in ClinVar's aggregate classification.

Clinical Genetics DNA and cytogenetics Diagnostics Lab, Erasmus MC, Erasmus Medical Center
Classification: Pathogenic. Review status: no assertion criteria provided. Collection method: clinical testing. Allele origin: germline. Affected: yes. Study: VKGL Data-share Consensus. Not counted in ClinVar's aggregate classification.

Joint Genome Diagnostic Labs from Nijmegen and Maastricht, Radboudumc and MUMC+
Classification: Pathogenic. Review status: no assertion criteria provided. Collection method: clinical testing. Allele origin: germline. Affected: yes. Study: VKGL Data-share Consensus. Not counted in ClinVar's aggregate classification.

Literature cited by the submitters: PubMed 12415512 (cited by 3 submitters); PubMed 25456301 (cited by Labcorp Genetics (formerly Invitae), Labcorp); PubMed 19390655 (cited by Labcorp Genetics (formerly Invitae), Labcorp and Dasa); PubMed 21862674 (cited by Labcorp Genetics (formerly Invitae), Labcorp and Dasa); PubMed 23667181 (cited by Labcorp Genetics (formerly Invitae), Labcorp and Dasa); PubMed 29977801 (cited by Labcorp Genetics (formerly Invitae), Labcorp and Dasa); PubMed 34828430 (cited by Women's Health and Genetics/Laboratory Corporation of America, LabCorp); PubMed 28041643 (cited by NIHR Bioresource Rare Diseases, University of Cambridge); PubMed 19160445 (cited by OMIM); PubMed 20799329 (cited by OMIM).